The following is an entry in ClinVar:

NM_012431.3(SEMA3E):c.277-7A>C

Gene: SEMA3E (semaphorin 3E; minus strand). Cytogenetic location: 7q21.11.
Variant type: single nucleotide variant.
Coding change: c.277-7A>C on transcript NM_012431.3 (MANE Select); 7 bases into the intron before coding-DNA position 277, A replaced by C.
Molecular consequence: intron variant.
Genome position (GRCh38, 1-based): chr7:83,469,309, T>G on the plus strand (A>C on the coding strand, the complement: SEMA3E is on the minus strand). VCF-style: chr7-83469309-T-G. GRCh37 (hg19) VCF-style: chr7-83098625-T-G.
Other names: c.97-7A>C (NM_001178129.2).
Identifiers: ClinVar variation 4982121 (VCV004982121.1).

ClinVar aggregate classification (germline): Likely benign (1 of 4 stars; one submission).

Conditions:
SEMA3E-related disorder. Also called: SEMA3E-related condition.

Submission:

PreventionGenetics, part of Exact Sciences
Classification: Likely benign for SEMA3E-related condition. Last evaluated: 2024-10-09. Review status: criteria provided, single submitter. Criteria: ACMG Guidelines, 2015. Collection method: clinical testing. Allele origin: germline.
Comment: This variant is classified as likely benign based on ACMG/AMP sequence variant interpretation guidelines (Richards et al. 2015 PMID: 25741868, with internal and published modifications).